The following is an entry in ClinVar:

NM_024422.6(DSC2):c.322A>G (p.Lys108Glu)

Gene: DSC2 (desmocollin 2; minus strand). Cytogenetic location: 18q12.1.
Variant type: single nucleotide variant.
Coding change: c.322A>G on transcript NM_024422.6 (MANE Select); coding-DNA position 322, A replaced by G.
Protein change: p.Lys108Glu; replaces lysine 108 with glutamic acid.
Molecular consequence: missense variant. On other transcripts: 5 prime UTR variant (2).
Genome position (GRCh38, 1-based): chr18:31,092,133, T>C on the plus strand (A>G on the coding strand, the complement: DSC2 is on the minus strand). VCF-style: chr18-31092133-T-C. GRCh37 (hg19) VCF-style: chr18-28672096-T-C.
Other names: c.-108A>G (NM_001406506.1, NM_001406507.1); c.322A>G, p.Lys108Glu (NM_004949.5); short protein forms K108E.
Identifiers: ClinVar variation 2565086 (VCV002565086.2), dbSNP rs2510956005, ClinGen allele CA402114627.
Genomic context (GRCh38, chr18:31,092,133, plus strand): 5'-ATTTCTTCATTTATGTAGCCTTGTATACCTTTGTTTGATGCTCCAAAAAGACAAATATTT[T>C]CTTCTTTTCTTGGTTCTCAGTGTTGGAAAGTAATATGGTAAAACTTCTCTTCTCCGAGGA-3'
Protein context (NP_077740.1, residues 98-118): LSNTENQEKK[Lys108Glu]IFVFLEHQTK

ClinVar aggregate classification (germline): Uncertain significance (1 of 4 stars; one submission).

Conditions:
Cardiovascular phenotype. Identifiers: MedGen CN230736.

Submission:

Ambry Genetics
Classification: Uncertain significance for Cardiovascular phenotype. Last evaluated: 2023-05-27. Review status: criteria provided, single submitter. Criteria: Ambry Variant Classification Scheme 2023. Collection method: clinical testing. Allele origin: germline.
Comment: The p.K108E variant (also known as c.322A>G), located in coding exon 3 of the DSC2 gene, results from an A to G substitution at nucleotide position 322. The lysine at codon 108 is replaced by glutamic acid, an amino acid with similar properties. This amino acid position is conserved. In addition, this alteration is predicted to be tolerated by in silico analysis. Since supporting evidence is limited at this time, the clinical significance of this alteration remains unclear.